The following is an entry in ClinVar:

ClinVar aggregate classification (germline): Likely pathogenic (1 of 4 stars; one submission).

Conditions:
Galactosemia. Also called: Galactose intolerance. Identifiers: Orphanet 352, MedGen C0016952, MONDO:0018116, HP:0004919. Disease mechanism: loss of function.

Submission:

Natera, Inc.
Classification: Likely pathogenic for Galactosemia. Last evaluated: 2024-12-10. Review status: criteria provided, single submitter. Criteria: Natera Variant Classification Schema (03/2026). Collection method: clinical testing. Allele origin: germline.
Comment: The c.293del variant in GALT is a frameshift variant predicted to shift the reading frame beginning at codon 98 and leads to a stop codon 40 codons downstream. This variant is expected to result in nonsense mediated decay, truncation, or a dysfunctional protein product. This variant is rare in the general population with a frequency below the threshold expected for the associated phenotype(s). Given the available evidence, this variant is classified as Likely Pathogenic.

NM_000155.4(GALT):c.293del (p.Asp98fs)

Gene: GALT (galactose-1-phosphate uridylyltransferase; plus strand). Cytogenetic location: 9p13.3.
Variant type: Deletion.
Coding change: c.293del on transcript NM_000155.4 (MANE Select); coding-DNA position 293, one base deleted (A; older notation c.293delA).
Protein change: p.Asp98fs; shifts the reading frame from aspartic acid 98.
Molecular consequence: frameshift variant. On other transcripts: intron variant (1).
Genome position (GRCh38, 1-based): chr9:34,647,532, A deleted. VCF-style (leftmost placement, unchanged base first): chr9-34647531-GA-G. GRCh37 (hg19) VCF-style: chr9-34647528-GA-G.
Other names: c.50+274del (NM_001258332.2); short protein forms D98fs.
Identifiers: ClinVar variation 4817625 (VCV004817625.1).